The following is an entry in ClinVar:

ClinVar aggregate classification (germline): Pathogenic (1 of 4 stars; one submission).

Submission:

GeneDx
Classification: Pathogenic. Last evaluated: 2015-11-24. Review status: criteria provided, single submitter. Criteria: GeneDx Variant Classification (06012015). Collection method: clinical testing. Allele origin: germline. Affected: yes.
Comment: The c.53dupG pathogenic variant in the PURA gene has not been reported previously as a pathogenic variant nor as a benign variant, to our knowledge. The c.53dupG variant causes a frameshift starting with codon Glycine 19, changes this amino acid to an Arginine residue, and creates a premature Stop codon at position 182 of the new reading frame, denoted p.Gly19ArgfsX182. This variant is predicted to cause loss of normal protein function through protein truncation. The c.53dupG variant was not observed in approximately 6500 individuals of European and African American ancestry in the NHLBI Exome Sequencing Project, indicating it is not a common benign variant in these populations. Protein truncating pathogenic variants downstream of this variant have been reported in the Human Gene Mutation Database in association with PURA-related disorders (Stenson et al., 2014), supporting the pathogenicity of more upstream truncating variants. We interpret c.53dupG as a pathogenic variant.

NM_005859.5(PURA):c.53dup (p.Gly19fs)

Gene: PURA (purine rich element binding protein A; plus strand). Cytogenetic location: 5q31.3.
Variant type: Duplication.
Coding change: c.53dup on transcript NM_005859.5 (MANE Select); coding-DNA position 53, one base duplicated (G; older notation c.53dupG).
Protein change: p.Gly19fs; shifts the reading frame from glycine 19.
Molecular consequence: frameshift variant.
Genome position (GRCh38, 1-based): chr5:140,114,234, G duplicated; the last of 3 consecutive G bases (chr5:140,114,232-140,114,234); duplicating any one gives the same sequence. VCF-style (leftmost placement, unchanged base first): chr5-140114231-C-CG. GRCh37 (hg19) VCF-style: chr5-139493816-C-CG.
Other names: short protein forms G19fs.
Identifiers: ClinVar variation 817051 (VCV000817051.1), dbSNP rs1581036040, ClinGen allele CA915942630.